The following is an entry in ClinVar:

NM_001436401.1(NOBOX):c.501G>A (p.Ala167=)

Gene: NOBOX (NOBOX oogenesis homeobox; minus strand). Cytogenetic location: 7q35.
Variant type: single nucleotide variant.
Coding change: c.501G>A on transcript NM_001436401.1 (MANE Select); coding-DNA position 501, G replaced by A.
Protein change: p.Ala167=; no amino-acid change (alanine 167 retained).
Molecular consequence: synonymous variant. On other transcripts: intron variant (1).
Genome position (GRCh38, 1-based): chr7:144,401,134, C>T on the plus strand (G>A on the coding strand, the complement: NOBOX is on the minus strand). VCF-style: chr7-144401134-C-T. GRCh37 (hg19) VCF-style: chr7-144098227-C-T.
Other names: NM_001080413.3:c.756G>A; c.38-822G>A (NM_001436402.1).
Identifiers: ClinVar variation 3354273 (VCV003354273.1).
Genomic context (GRCh38, chr7:144,401,134, plus strand): 5'-CCTAATTTGGCAGGTCACTTCCGGGGGCCCCTGCTTGTGGTCTCTGTTTTGGTTGCTCTG[C>T]GCCAATGTACTGAGGAGATTGGCCAGGTGGCAGGGCCCCCGGCCTGACCCACAGGGCACT-3'
Protein context (NP_001423330.1, residues 157-177): CHLANLLSTL[Ala167=]QSNQNRDHKQ

ClinVar aggregate classification (germline): Likely benign (0 of 4 stars; one submission).

Conditions:
NOBOX-related disorder. Also called: NOBOX-related condition.

Submission:

PreventionGenetics, part of Exact Sciences
Classification: Likely benign for NOBOX-related condition. Last evaluated: 2019-11-14. Review status: no assertion criteria provided. Collection method: clinical testing. Allele origin: germline.
Comment: This variant is classified as likely benign based on ACMG/AMP sequence variant interpretation guidelines (Richards et al. 2015 PMID: 25741868, with internal and published modifications).